The following is an entry in ClinVar:

NM_080680.3(COL11A2):c.3960+14_3960+15insT

Gene: COL11A2 (collagen type XI alpha 2 chain; minus strand). Cytogenetic location: 6p21.32.
Variant type: Insertion.
Coding change: c.3960+14_3960+15insT on transcript NM_080680.3 (MANE Select); bases 14 to 15 of the intron after coding-DNA position 3960, T inserted.
Molecular consequence: intron variant.
Genome position: GRCh38 VCF-style: chr6-33168504-G-GA. GRCh37 (hg19) VCF-style: chr6-33136281-G-GA.
Other names: c.2934+14_2934+15insT (NM_001424111.1, NM_001424110.1); c.3639+14_3639+15insT (NM_080679.3); c.3702+14_3702+15insT (NM_080681.3); c.3780+14_3780+15insT (NM_001424108.1); c.3114+14_3114+15insT (NM_001424109.1); c.1914+14_1914+15insT (NM_001424112.1).
Identifiers: ClinVar variation 3001982 (VCV003001982.3), dbSNP rs768306633, ClinGen allele CA3750298.
Genomic context (GRCh38, chr6:33,168,504, plus strand): 5'-ACCTGCCATTGCCCAGCCTCCACCCACACAGCCCAGGGACTGCCTCCCAAGGTCTCAGGG[G>GA]TCCACCTCACTTACTCGCTTTCCAAGTGGCCCTGGGGGTCCATTCTCCCCGGTGGGACCA-3'

ClinVar aggregate classification (germline): Uncertain significance (1 of 4 stars; one submission).

Allele frequency attached by ClinVar (database versions not stated): ExAC 0.00001; gnomAD exomes 0.00001.

Submission:

Labcorp Genetics (formerly Invitae), Labcorp
Classification: Uncertain significance. Last evaluated: 2023-09-06. Review status: criteria provided, single submitter. Criteria: Invitae Variant Classification Sherloc (09022015). Collection method: clinical testing. Allele origin: germline.
Comment: This sequence change falls in intron 54 of the COL11A2 gene. It does not directly change the encoded amino acid sequence of the COL11A2 protein. This variant is present in population databases (rs768306633, gnomAD 0.0009%). This variant has not been reported in the literature in individuals affected with COL11A2-related conditions. Algorithms developed to predict the effect of sequence changes on RNA splicing suggest that this variant may create or strengthen a splice site. In summary, the available evidence is currently insufficient to determine the role of this variant in disease. Therefore, it has been classified as a Variant of Uncertain Significance.